The following is an entry in ClinVar:

ClinVar aggregate classification (germline): Benign (1 of 4 stars; one submission).

Conditions:
Prostate cancer, hereditary, 9 (HPC9). Identifiers: Orphanet 1331, MedGen C1970250, MONDO:0012597, OMIM 610997.

Submission:

Myriad Genetics, Inc.
Classification: Benign for Prostate cancer, hereditary, 9. Last evaluated: 2024-10-30. Review status: criteria provided, single submitter. Criteria: Myriad Autosomal Dominant, Autosomal Recessive and X-Linked Classification Criteria (2023). Collection method: clinical testing. Allele origin: unknown.
Comment: This variant is considered benign. This variant is a silent/synonymous amino acid change and it is not expected to impact splicing.

NM_006361.6(HOXB13):c.615G>A (p.Gln205=)

Gene: HOXB13 (homeobox B13; minus strand). Cytogenetic location: 17q21.32.
Variant type: single nucleotide variant.
Coding change: c.615G>A on transcript NM_006361.6 (MANE Select); coding-DNA position 615, G replaced by A.
Protein change: p.Gln205=; no amino-acid change (glutamine 205 retained).
Molecular consequence: synonymous variant.
Genome position (GRCh38, 1-based): chr17:48,727,030, C>T on the plus strand (G>A on the coding strand, the complement: HOXB13 is on the minus strand). VCF-style: chr17-48727030-C-T. GRCh37 (hg19) VCF-style: chr17-46804392-C-T.
Identifiers: ClinVar variation 3772946 (VCV003772946.1).